The following is an entry in ClinVar:

ClinVar aggregate classification (germline): Conflicting classifications of pathogenicity. Review status: criteria provided, conflicting classifications (1 of 4 stars). 3 submissions from 3 submitters: Uncertain significance (2); Likely benign (1). Last evaluated 2024-08-27.

Conditions:
Hypogonadotropic hypogonadism 5 with or without anosmia (KAL5). Also called: HYPOGONADOTROPIC HYPOGONADISM 5 WITH ANOSMIA; HYPOGONADOTROPHIC HYPOGONADISM 5 WITHOUT ANOSMIA; CHD7-Related GnRH Deficiency (Kallmann Syndrome 5). Identifiers: Orphanet 478, MedGen C3552553, MONDO:0012880, OMIM 612370. Disease mechanism: loss of function.
CHARGE syndrome (CHARGE). Also called: CHARGE ASSOCIATION--COLOBOMA, HEART ANOMALY, CHOANAL ATRESIA, RETARDATION, GENITAL AND EAR ANOMALIES; Coloboma, heart anomaly, choanal atresia, retardation, genital and ear anomalies; CHARGE association; Hall-Hittner syndrome; Hittner Hirsch Kreh syndrome. Identifiers: Orphanet 138, MedGen C0265354, MONDO:0008965.

Allele frequency attached by ClinVar (database versions not stated): ExAC 0.00001; gnomAD 0.00001; gnomAD exomes 0.00001; TOPMed 0.00001.
gnomAD v4.1: 6 of 1,507,284 alleles (0.0004%); highest among the groups gnomAD compares: Non-Finnish European, 0.00053%; no homozygotes.

Submissions (3):

Labcorp Genetics (formerly Invitae), Labcorp
Classification: Uncertain significance for CHARGE syndrome. Last evaluated: 2024-08-27. Review status: criteria provided, single submitter. Criteria: Invitae Variant Classification Sherloc (09022015). Collection method: clinical testing. Allele origin: germline.
Comment: This sequence change falls in intron 31 of the CHD7 gene. It does not directly change the encoded amino acid sequence of the CHD7 protein. It affects a nucleotide within the consensus splice site. This variant is present in population databases (rs773804340, gnomAD 0.002%). This variant has not been reported in the literature in individuals affected with CHD7-related conditions. ClinVar contains an entry for this variant (Variation ID: 363475). Variants that disrupt the consensus splice site are a relatively common cause of aberrant splicing (PMID: 17576681, 9536098). Algorithms developed to predict the effect of sequence changes on RNA splicing suggest that this variant is not likely to affect RNA splicing. In summary, the available evidence is currently insufficient to determine the role of this variant in disease. Therefore, it has been classified as a Variant of Uncertain Significance.

CeGaT Center for Human Genetics Tuebingen
Classification: Likely benign. Last evaluated: 2022-12-01. Review status: criteria provided, single submitter. Criteria: CeGaT Center For Human Genetics Tuebingen Variant Classification Criteria Version 2. Collection method: clinical testing. Allele origin: germline. Affected: yes. Observed: 1 variant allele.
Comment: CHD7: BP4

Illumina Laboratory Services, Illumina
Classification: Uncertain significance for Kallmann Syndrome 5. Last evaluated: 2018-01-13. Review status: criteria provided, single submitter. Criteria: ICSL Variant Classification Criteria 13 December 2019. Collection method: clinical testing. Allele origin: germline.

Literature cited by the submitters: PubMed 17576681 (cited by Labcorp Genetics (formerly Invitae), Labcorp); PubMed 9536098 (cited by Labcorp Genetics (formerly Invitae), Labcorp).

NM_017780.4(CHD7):c.6775+6G>T

Gene: CHD7 (chromodomain helicase DNA binding protein 7; plus strand). Cytogenetic location: 8q12.2.
Variant type: single nucleotide variant.
Coding change: c.6775+6G>T on transcript NM_017780.4 (MANE Select); 6 bases into the intron after coding-DNA position 6775, G replaced by T.
Molecular consequence: intron variant.
Genome position (GRCh38, 1-based): chr8:60,853,506, G>T. VCF-style: chr8-60853506-G-T. GRCh37 (hg19) VCF-style: chr8-61766065-G-T.
Other names: c.1717-8723G>T (NM_001316690.1).
Identifiers: ClinVar variation 363475 (VCV000363475.33), dbSNP rs773804340, ClinGen allele CA4760652.